The following is an entry in ClinVar:

NM_003640.5(ELP1):c.3622A>T (p.Lys1208Ter)

Gene: ELP1 (elongator acetyltransferase complex subunit 1; minus strand). Cytogenetic location: 9q31.3.
Variant type: single nucleotide variant.
Coding change: c.3622A>T on transcript NM_003640.5 (MANE Select); coding-DNA position 3622, A replaced by T.
Protein change: p.Lys1208Ter; replaces lysine 1208 with a stop codon.
Molecular consequence: nonsense.
Genome position (GRCh38, 1-based): chr9:108,878,701, T>A on the plus strand (A>T on the coding strand, the complement: ELP1 is on the minus strand). VCF-style: chr9-108878701-T-A. GRCh37 (hg19) VCF-style: chr9-111640981-T-A.
Other names: c.3280A>T, p.Lys1094Ter (NM_001318360.2); c.2575A>T, p.Lys859Ter (NM_001330749.2); short protein forms K1094*, K859*, K1208*.
Identifiers: ClinVar variation 2078208 (VCV002078208.4), dbSNP rs2537856396, ClinGen allele CA374411388.

ClinVar aggregate classification (germline): Pathogenic (1 of 4 stars; one submission).

Submission:

Labcorp Genetics (formerly Invitae), Labcorp
Classification: Pathogenic. Last evaluated: 2021-12-23. Review status: criteria provided, single submitter. Criteria: Invitae Variant Classification Sherloc (09022015). Collection method: clinical testing. Allele origin: germline.
Comment: For these reasons, this variant has been classified as Pathogenic. This variant has not been reported in the literature in individuals affected with ELP1-related conditions. This variant is not present in population databases (gnomAD no frequency). This sequence change creates a premature translational stop signal (p.Lys1208*) in the ELP1 gene. It is expected to result in an absent or disrupted protein product. Loss-of-function variants in ELP1 are known to be pathogenic (PMID: 18303054, 24173031).

Literature cited by the submitters: PubMed 18303054; PubMed 24173031.